The following is an entry in ClinVar:

NM_020778.5(ALPK3):c.2759C>T (p.Thr920Ile)

Gene: ALPK3 (alpha kinase 3; plus strand). Cytogenetic location: 15q25.3.
Variant type: single nucleotide variant.
Coding change: c.2759C>T on transcript NM_020778.5 (MANE Select); coding-DNA position 2759, C replaced by T.
Protein change: p.Thr920Ile; replaces threonine 920 with isoleucine.
Molecular consequence: missense variant.
Genome position (GRCh38, 1-based): chr15:84,857,497, C>T. VCF-style: chr15-84857497-C-T. GRCh37 (hg19) VCF-style: chr15-85400728-C-T.
Other names: short protein forms T920I.
Identifiers: ClinVar variation 1730652 (VCV001730652.4), dbSNP rs763503640, ClinGen allele CA7709487.

ClinVar aggregate classification (germline): Uncertain significance. Review status: criteria provided, multiple submitters, no conflicts (2 of 4 stars). 2 submissions from 2 submitters: Uncertain significance (2). Last evaluated 2024-08-22.

Conditions:
Cardiovascular phenotype. Identifiers: MedGen CN230736.

Allele frequency attached by ClinVar (database versions not stated): gnomAD exomes below 0.00001; TOPMed 0.00001; ExAC 0.00002.
gnomAD v4.1: 6 of 1,602,472 alleles (0.00037%); highest among the groups gnomAD compares: Non-Finnish European, 0.00051%; no homozygotes.

Submissions (2):

Labcorp Genetics (formerly Invitae), Labcorp
Classification: Uncertain significance. Last evaluated: 2024-08-22. Review status: criteria provided, single submitter. Criteria: Invitae Variant Classification Sherloc (09022015). Collection method: clinical testing. Allele origin: germline.
Comment: This sequence change replaces threonine, which is neutral and polar, with isoleucine, which is neutral and non-polar, at codon 1122 of the ALPK3 protein (p.Thr1122Ile). This variant is present in population databases (rs763503640, gnomAD 0.002%). This variant has not been reported in the literature in individuals affected with ALPK3-related conditions. ClinVar contains an entry for this variant (Variation ID: 1730652). Invitae Evidence Modeling of protein sequence and biophysical properties (such as structural, functional, and spatial information, amino acid conservation, physicochemical variation, residue mobility, and thermodynamic stability) indicates that this missense variant is not expected to disrupt ALPK3 protein function with a negative predictive value of 80%. In summary, the available evidence is currently insufficient to determine the role of this variant in disease. Therefore, it has been classified as a Variant of Uncertain Significance.

Ambry Genetics
Classification: Uncertain significance for Cardiovascular phenotype. Last evaluated: 2021-08-31. Review status: criteria provided, single submitter. Criteria: Ambry Variant Classification Scheme 2023. Collection method: clinical testing. Allele origin: germline.
Comment: The p.T1122I variant (also known as c.3365C>T), located in coding exon 6 of the ALPK3 gene, results from a C to T substitution at nucleotide position 3365. The threonine at codon 1122 is replaced by isoleucine, an amino acid with similar properties. This amino acid position is conserved. In addition, this alteration is predicted to be tolerated by in silico analysis. Since supporting evidence is limited at this time, the clinical significance of this alteration remains unclear.